The following is an entry in ClinVar:

NM_031935.3(HMCN1):c.6454A>G (p.Ile2152Val)

Gene: HMCN1 (hemicentin 1; plus strand). Cytogenetic location: 1q31.1.
Variant type: single nucleotide variant.
Coding change: c.6454A>G on transcript NM_031935.3 (MANE Select); coding-DNA position 6454, A replaced by G.
Protein change: p.Ile2152Val; replaces isoleucine 2152 with valine.
Molecular consequence: missense variant.
Genome position (GRCh38, 1-based): chr1:186,045,837, A>G. VCF-style: chr1-186045837-A-G. GRCh37 (hg19) VCF-style: chr1-186014969-A-G.
Other names: short protein forms I2152V.
Identifiers: ClinVar variation 1937510 (VCV001937510.5), dbSNP rs775741276, ClinGen allele CA1292568.

ClinVar aggregate classification (germline): Uncertain significance (1 of 4 stars; one submission).

Allele frequency attached by ClinVar (database versions not stated): gnomAD 0.00001; TOPMed 0.00001; ExAC 0.00002; gnomAD exomes 0.00003.
gnomAD v4.1: 43 of 1,612,106 alleles (0.0027%); highest among the groups gnomAD compares: Non-Finnish European, 0.0032%; no homozygotes.

Submission:

Labcorp Genetics (formerly Invitae), Labcorp
Classification: Uncertain significance. Last evaluated: 2025-11-01. Review status: criteria provided, single submitter. Criteria: Invitae Variant Classification Sherloc (09022015). Collection method: clinical testing. Allele origin: germline.
Comment: This sequence change replaces isoleucine, which is neutral and non-polar, with valine, which is neutral and non-polar, at codon 2152 of the HMCN1 protein (p.Ile2152Val). This variant is present in population databases (rs775741276, gnomAD 0.006%). This variant has not been reported in the literature in individuals affected with HMCN1-related conditions. ClinVar contains an entry for this variant (Variation ID: 1937510). An algorithm developed to predict the effect of missense changes on protein structure and function outputs the following: PolyPhen-2: "Benign". The valine amino acid residue is found in multiple mammalian species, which suggests that this missense change does not adversely affect protein function. In summary, the available evidence is currently insufficient to determine the role of this variant in disease. Therefore, it has been classified as a Variant of Uncertain Significance.